The following is an entry in ClinVar:

ClinVar aggregate classification (germline): Likely pathogenic (1 of 4 stars; one submission).

Conditions:
Ehlers-Danlos syndrome, dermatosparaxis type. Also called: Dermatosparaxis; EDS VIIC; Ehlers-Danlos syndrome, type VII, autosomal recessive. Identifiers: Orphanet 1901, MedGen C2700425, MONDO:0009161, OMIM 225410.

Submission:

Myriad Genetics, Inc.
Classification: Likely pathogenic for Ehlers-Danlos syndrome, dermatosparaxis type. Last evaluated: 2021-12-16. Review status: criteria provided, single submitter. Criteria: Myriad Women's Health Autosomal Recessive and X-Linked Classification Criteria (2021). Collection method: clinical testing. Allele origin: unknown.
Comment: NM_014244.4(ADAMTS2):c.985_986insA(L329Hfs*30) is expected to be pathogenic in the context of Ehlers-Danlos syndrome type VIIC. This variant is predicted to lead to an abnormal or absent protein product due to the creation of a premature termination codon in ADAMTS2, a gene where loss-of-function variants are known to be pathogenic. Please note: this variant was assessed in the context of healthy population screening.

NM_014244.5(ADAMTS2):c.985_986insA (p.Leu329fs)

Gene: ADAMTS2 (ADAM metallopeptidase with thrombospondin type 1 motif 2; minus strand). Cytogenetic location: 5q35.3.
Variant type: Insertion.
Coding change: c.985_986insA on transcript NM_014244.5 (MANE Select); coding-DNA positions 985 to 986, A inserted.
Protein change: p.Leu329fs; shifts the reading frame from leucine 329.
Molecular consequence: frameshift variant.
Genome position: GRCh38 VCF-style: chr5-179158869-A-AT. GRCh37 (hg19) VCF-style: chr5-178585870-A-AT.
Other names: c.985_986insA, p.Leu329fs (NM_021599.4); short protein forms L329fs.
Identifiers: ClinVar variation 1726383 (VCV001726383.2), dbSNP rs2480257419, ClinGen allele CA2580074156.